The following is an entry in ClinVar:

ClinVar aggregate classification (germline): Uncertain significance (1 of 4 stars; one submission).

Conditions:
COG1 congenital disorder of glycosylation (CDG2G). Also called: CONGENITAL DISORDER OF GLYCOSYLATION, TYPE IIg; CDG IIg; CDGII/COG1 CEREBROCOSTOMANDIBULAR-LIKE SYNDROME. Identifiers: Orphanet 263508, MedGen C2931011, MONDO:0012637, OMIM 611209.

Allele frequency attached by ClinVar (database versions not stated): gnomAD 0.00001; gnomAD exomes 0.00001; TOPMed 0.00001.
gnomAD v4.1: 5 of 1,482,034 alleles (0.00034%); highest among the groups gnomAD compares: Admixed American, 0.0094%; no homozygotes.

Submission:

Labcorp Genetics (formerly Invitae), Labcorp
Classification: Uncertain significance for COG1 congenital disorder of glycosylation. Last evaluated: 2022-02-21. Review status: criteria provided, single submitter. Criteria: Invitae Variant Classification Sherloc (09022015). Collection method: clinical testing. Allele origin: germline.
Comment: This sequence change replaces alanine, which is neutral and non-polar, with valine, which is neutral and non-polar, at codon 103 of the COG1 protein (p.Ala103Val). This variant is present in population databases (no rsID available, gnomAD 0.02%). This variant has not been reported in the literature in individuals affected with COG1-related conditions. Algorithms developed to predict the effect of missense changes on protein structure and function (SIFT, PolyPhen-2, Align-GVGD) all suggest that this variant is likely to be tolerated. In summary, the available evidence is currently insufficient to determine the role of this variant in disease. Therefore, it has been classified as a Variant of Uncertain Significance.

NM_018714.3(COG1):c.308C>T (p.Ala103Val)

Genes: COG1 (component of oligomeric golgi complex 1; plus strand), LOC130061577 (ATAC-STARR-seq lymphoblastoid silent region 8921; plus strand). Cytogenetic location: 17q25.1.
Variant type: single nucleotide variant.
Coding change: c.308C>T on transcript NM_018714.3 (MANE Select); coding-DNA position 308, C replaced by T.
Protein change: p.Ala103Val; replaces alanine 103 with valine.
Molecular consequence: missense variant.
Genome position (GRCh38, 1-based): chr17:73,193,377, C>T. VCF-style: chr17-73193377-C-T. GRCh37 (hg19) VCF-style: chr17-71189516-C-T.
Other names: short protein forms A103V.
Identifiers: ClinVar variation 2413209 (VCV002413209.7), dbSNP rs1233933398, ClinGen allele CA400880931.
Genomic context (GRCh38, chr17:73,193,377, plus strand): 5'-CCGACCAGTACTGCGCCCGCCTCCGCCAGGCCGGCTCGGCCGCGCCCCGGCCACCGCGGG[C>T]CCAGCAGGTCAGTCCCCGTGCCCCCACCCTGCGACCCGCAGGCGGGTCCCGGAGCCCCTG-3'
Protein context (NP_061184.1, residues 93-113): AGSAAPRPPR[Ala103Val]QQPQQPSQEK